The following is an entry in ClinVar:

ClinVar aggregate classification (germline): Uncertain significance. Review status: criteria provided, multiple submitters, no conflicts (2 of 4 stars). 5 submissions from 4 submitters: Uncertain significance (5). Last evaluated 2024-11-12.

Conditions:
Developmental and epileptic encephalopathy, 14 (DEE14). Also called: Early infantile epileptic encephalopathy 14. Identifiers: Orphanet 293181, MedGen C3554195, MONDO:0013989, OMIM 614959.
Autosomal dominant nocturnal frontal lobe epilepsy 5. Also called: CILIARY DYSKINESIA, PRIMARY, 28, WITH SITUS INVERSUS; Epilepsy, nocturnal frontal lobe, 5; CILIARY DYSKINESIA, PRIMARY, 28, WITHOUT SITUS INVERSUS; KCNT1-Related Epilepsy. Identifiers: Orphanet 98784, MedGen C3554306, MONDO:0014002, OMIM 615005.

gnomAD v4.1: 5 of 1,610,324 alleles (0.00031%); highest among the groups gnomAD compares: South Asian, 0.0022%; no homozygotes.

Submissions (5):

Women's Health and Genetics/Laboratory Corporation of America, LabCorp
Classification: Uncertain significance. Last evaluated: 2024-11-12. Review status: criteria provided, single submitter. Criteria: LabCorp Variant Classification Summary - May 2015. Collection method: clinical testing. Allele origin: germline.
Comment: Variant summary: KCNT1 c.1250G>A (p.Arg417His) results in a non-conservative amino acid change located in the Calcium-activated potassium channel slowpoke-like RCK domain (IPR055153) of the encoded protein sequence. Four of five in-silico tools predict a damaging effect of the variant on protein function. The variant allele was found at a frequency of 8.2e-06 in 244434 control chromosomes. The available data on variant occurrences in the general population are insufficient to allow any conclusion about variant significance. To our knowledge, no occurrence of c.1250G>A in individuals affected with Developmental And Epileptic Encephalopathy, 14 and no experimental evidence demonstrating its impact on protein function have been reported. ClinVar contains an entry for this variant (Variation ID: 412310). Based on the evidence outlined above, the variant was classified as uncertain significance.

Genome-Nilou Lab
Classification: Uncertain significance for Developmental and epileptic encephalopathy, 14. Last evaluated: 2022-03-15. Review status: criteria provided, single submitter. Criteria: ACMG Guidelines, 2015. Collection method: clinical testing. Allele origin: germline. Affected: no.

Genome-Nilou Lab
Classification: Uncertain significance for Autosomal dominant nocturnal frontal lobe epilepsy 5. Last evaluated: 2022-03-15. Review status: criteria provided, single submitter. Criteria: ACMG Guidelines, 2015. Collection method: clinical testing. Allele origin: germline. Affected: no.

Greenwood Genetic Center Diagnostic Laboratories, Greenwood Genetic Center
Classification: Uncertain significance. Last evaluated: 2020-10-22. Review status: criteria provided, single submitter. Criteria: ACMG Guidelines, 2015. Collection method: clinical testing. Allele origin: germline. Affected: yes.

Labcorp Genetics (formerly Invitae), Labcorp
Classification: Uncertain significance for Autosomal dominant nocturnal frontal lobe epilepsy 5; Developmental and epileptic encephalopathy, 14. Last evaluated: 2020-02-07. Review status: criteria provided, single submitter. Criteria: Invitae Variant Classification Sherloc (09022015). Collection method: clinical testing. Allele origin: germline.
Comment: Algorithms developed to predict the effect of missense changes on protein structure and function do not agree on the potential impact of this missense change (SIFT: "Deleterious"; PolyPhen-2: "Benign"; Align-GVGD: "Class C0"). In summary, this variant is a rare missense change with uncertain impact on protein function. There is no indication that it causes disease, but the available evidence is currently insufficient to prove that conclusively. Therefore, it has been classified as a Variant of Uncertain Significance. This variant is present in population databases (rs745965148, ExAC <0.01%) but has not been reported in the literature in individuals with a KCNT1-related disease. This sequence change replaces arginine with histidine at codon 417 of the KCNT1 protein (p.Arg417His). The arginine residue is highly conserved and there is a small physicochemical difference between arginine and histidine.

NM_020822.3(KCNT1):c.1250G>A (p.Arg417His)

Gene: KCNT1 (potassium sodium-activated channel subfamily T member 1; plus strand). Cytogenetic location: 9q34.3.
Variant type: single nucleotide variant.
Coding change: c.1250G>A on transcript NM_020822.3 (MANE Select); coding-DNA position 1250, G replaced by A.
Protein change: p.Arg417His; replaces arginine 417 with histidine.
Molecular consequence: missense variant.
Genome position (GRCh38, 1-based): chr9:135,765,673, G>A. VCF-style: chr9-135765673-G-A. GRCh37 (hg19) VCF-style: chr9-138657519-G-A.
Other names: c.1115G>A, p.Arg372His (NM_001272003.2); short protein forms R417H, R372H.
Identifiers: ClinVar variation 412310 (VCV000412310.16), dbSNP rs745965148, ClinGen allele CA5326835.
Genomic context (GRCh38, chr9:135,765,673, plus strand): 5'-CTGGCCGGCAGGACTATTACGTGGTCATCCTGTGCCCCACGGAGATGGATGTCCAGGTGC[G>A]CAGAGTCCTGCAGATCCCTCTGTGGTCCCAGCGGGTCATCTACCTCCAGGGCTCTGCACT-3'
Protein context (NP_065873.2, residues 407-427): LCPTEMDVQV[Arg417His]RVLQIPLWSQ